The following is an entry in ClinVar:

ClinVar aggregate classification (germline): Conflicting classifications of pathogenicity. Review status: criteria provided, conflicting classifications (1 of 4 stars). 4 submissions from 4 submitters: Uncertain significance (1); Likely benign (2). 1 of the submissions does not count toward it. Last evaluated 2026-02-03.

Conditions:
Inborn genetic diseases. Identifiers: MedGen C0950123, MeSH D030342.
UNC80-related disorder. Also called: UNC80-related condition.

Allele frequency attached by ClinVar (database versions not stated): gnomAD 0.00006 and 0.00007; 1000 Genomes Project 30x 0.00016; 1000 Genomes Project 0.00020; TOPMed 0.00028; gnomAD exomes 0.00043.
gnomAD v4.1: 114 of 1,551,626 alleles (0.0073%); highest among the groups gnomAD compares: Admixed American, 0.18%; no homozygotes.

Submissions (4):

Labcorp Genetics (formerly Invitae), Labcorp
Classification: Likely benign. Last evaluated: 2026-02-03. Review status: criteria provided, single submitter. Criteria: Invitae Variant Classification Sherloc (09022015). Collection method: clinical testing. Allele origin: germline.

CeGaT Center for Human Genetics Tuebingen
Classification: Uncertain significance. Last evaluated: 2023-11-01. Review status: criteria provided, single submitter. Criteria: CeGaT Center For Human Genetics Tuebingen Variant Classification Criteria Version 2. Collection method: clinical testing. Allele origin: germline. Affected: yes. Observed: 1 variant allele.

Ambry Genetics
Classification: Likely benign for Inborn genetic diseases. Last evaluated: 2021-05-19. Review status: criteria provided, single submitter. Criteria: Ambry Variant Classification Scheme 2023. Collection method: clinical testing. Allele origin: germline.

PreventionGenetics, part of Exact Sciences
Classification: Likely benign for UNC80-related condition. Last evaluated: 2023-02-20. Review status: no assertion criteria provided. Collection method: clinical testing. Allele origin: germline. Not counted in ClinVar's aggregate classification.
Comment: This variant is classified as likely benign based on ACMG/AMP sequence variant interpretation guidelines (Richards et al. 2015 PMID: 25741868, with internal and published modifications).

NM_001371986.1(UNC80):c.4763G>A (p.Arg1588Gln)

Gene: UNC80 (unc-80 subunit of NALCN channel complex; plus strand). Cytogenetic location: 2q34.
Variant type: single nucleotide variant.
Coding change: c.4763G>A on transcript NM_001371986.1 (MANE Select); coding-DNA position 4763, G replaced by A.
Protein change: p.Arg1588Gln; replaces arginine 1588 with glutamine.
Molecular consequence: missense variant.
Genome position (GRCh38, 1-based): chr2:209,904,946, G>A. VCF-style: chr2-209904946-G-A. GRCh37 (hg19) VCF-style: chr2-210769670-G-A.
Other names: c.4565G>A, p.Arg1522Gln (NM_032504.2); c.4550G>A, p.Arg1517Gln (NM_182587.4); c.4565G>A (NM_032504.1); short protein forms R1517Q, R1522Q, R1588Q.
Identifiers: ClinVar variation 1661229 (VCV001661229.33), dbSNP rs182597438, ClinGen allele CA65038853.
Genomic context (GRCh38, chr2:209,904,946, plus strand): 5'-TCTATGGAGACAGTGTGGACTCCCTGAGGGAAAGCAGCAACATCAGCAGTGTGGCTCTCC[G>A]GGGCAAGAAACAGAAAGAAGTAAGTAAATGACCATTGAATGATATTCTAATACTAGAAAC-3'
Protein context (NP_001358915.1, residues 1578-1598): ESSNISSVAL[Arg1588Gln]GKKQKECSDK